The following is an entry in ClinVar:

ClinVar aggregate classification (germline): Conflicting classifications of pathogenicity. Review status: criteria provided, conflicting classifications (1 of 4 stars). 4 submissions from 4 submitters: Uncertain significance (1); Benign (1); Likely benign (1). 1 of the submissions does not count toward it. Last evaluated 2026-05-21.

Conditions:
NF1-related disorder. Also called: NF1-related condition. Identifiers: MedGen CN379171.
Neurofibromatosis, type 1 (NF1). Also called: VON RECKLINGHAUSEN DISEASE; NEUROFIBROMATOSIS, TYPE I, SOMATIC; Neurofibromatosis, type I; Peripheral type neurofibromatosis. Identifiers: Orphanet 636, MedGen C0027831, MONDO:0018975, OMIM 162200. Disease mechanism: loss of function.

Allele frequency attached by ClinVar (database versions not stated): ExAC 0.00001; TOPMed 0.00001.
gnomAD v4.1: 4 of 1,609,064 alleles (0.00025%); highest among the groups gnomAD compares: Non-Finnish European, 0.00034%; no homozygotes.

Submissions (4):

Myriad Genetics, Inc.
Classification: Benign for Neurofibromatosis, type 1. Last evaluated: 2026-05-21. Review status: criteria provided, single submitter. Criteria: Myriad Autosomal Dominant, Autosomal Recessive and X-Linked Classification Criteria (2023). Collection method: clinical testing. Allele origin: unknown.
Comment: This variant is considered benign. This variant is intronic and is not expected to impact mRNA splicing.

Labcorp Genetics (formerly Invitae), Labcorp
Classification: Likely benign for Neurofibromatosis, type 1. Last evaluated: 2026-01-16. Review status: criteria provided, single submitter. Criteria: Invitae Variant Classification Sherloc (09022015). Collection method: clinical testing. Allele origin: germline.

Center for Pediatric Genomic Medicine, Children's Mercy Hospital and Clinics
Classification: Uncertain significance. Last evaluated: 2017-04-28. Review status: criteria provided, single submitter. Criteria: ACMG Guidelines, 2015. Collection method: clinical testing. Allele origin: germline.

PreventionGenetics, part of Exact Sciences
Classification: Likely benign for NF1-related condition. Last evaluated: 2019-12-18. Review status: no assertion criteria provided. Collection method: clinical testing. Allele origin: germline. Not counted in ClinVar's aggregate classification.
Comment: This variant is classified as likely benign based on ACMG/AMP sequence variant interpretation guidelines (Richards et al. 2015 PMID: 25741868, with internal and published modifications).

NM_001042492.3(NF1):c.6642+11C>G

Gene: NF1 (neurofibromin 1; plus strand). Cytogenetic location: 17q11.2.
Variant type: single nucleotide variant.
Coding change: c.6642+11C>G on transcript NM_001042492.3 (MANE Select); 11 bases into the intron after coding-DNA position 6642, C replaced by G.
Molecular consequence: intron variant.
Genome position (GRCh38, 1-based): chr17:31,337,593, C>G. VCF-style: chr17-31337593-C-G. GRCh37 (hg19) VCF-style: chr17-29664611-C-G.
Other names: c.6579+11C>G (NM_000267.4).
Identifiers: ClinVar variation 445444 (VCV000445444.12), dbSNP rs375446476, ClinGen allele CA8487376.